The following is an entry in ClinVar:

NM_001365925.2(NLGN1):c.2032C>G (p.Pro678Ala)

Gene: NLGN1 (neuroligin 1; plus strand). Cytogenetic location: 3q26.31.
Variant type: single nucleotide variant.
Coding change: c.2032C>G on transcript NM_001365925.2 (MANE Select); coding-DNA position 2032, C replaced by G.
Protein change: p.Pro678Ala; replaces proline 678 with alanine.
Molecular consequence: missense variant.
Genome position (GRCh38, 1-based): chr3:174,280,803, C>G. VCF-style: chr3-174280803-C-G. GRCh37 (hg19) VCF-style: chr3-173998593-C-G.
Other names: c.2032C>G, p.Pro678Ala (NM_001365923.2, NM_001365924.2, NM_001365926.2 and 2 more transcripts); c.1972C>G, p.Pro658Ala (NM_001365929.2, NM_001365930.2, NM_001365931.2 and 3 more transcripts); c.1945C>G, p.Pro649Ala (NM_001365934.2, NM_001365935.2, NM_001365936.2); short protein forms P649A, P658A, P678A.
Identifiers: ClinVar variation 2229677 (VCV002229677.2), dbSNP rs765260803, ClinGen allele CA2708818.

ClinVar aggregate classification (germline): Uncertain significance (1 of 4 stars; one submission).

Conditions:
Inborn genetic diseases. Identifiers: MedGen C0950123, MeSH D030342.

Allele frequency attached by ClinVar (database versions not stated): ExAC 0.00001; gnomAD 0.00001; TOPMed 0.00001; gnomAD exomes 0.00004.
gnomAD v4.1: 64 of 1,613,280 alleles (0.004%); highest among the groups gnomAD compares: Non-Finnish European, 0.0052%; no homozygotes.

Submission:

Ambry Genetics
Classification: Uncertain significance for Inborn genetic diseases. Last evaluated: 2021-03-26. Review status: criteria provided, single submitter. Criteria: Ambry Variant Classification Scheme 2023. Collection method: clinical testing. Allele origin: germline.
Comment: The c.1972C>G (p.P658A) alteration is located in exon 7 (coding exon 5) of the NLGN1 gene. This alteration results from a C to G substitution at nucleotide position 1972, causing the proline (P) at amino acid position 658 to be replaced by an alanine (A). The p.P658A alteration is predicted to be tolerated by in silico analysis. Based on insufficient or conflicting evidence, the clinical significance of this alteration remains unclear.